The following is an entry in ClinVar:

ClinVar aggregate classification (germline): Pathogenic (1 of 4 stars; one submission).

Conditions:
alpha Thalassemia. Also called: Alpha thalassemia spectrum. Identifiers: Orphanet 846, MedGen C0002312, MONDO:0011399, OMIM 604131.

Allele frequency attached by ClinVar (database versions not stated): TOPMed below 0.00001.

Submission:

Women's Health and Genetics/Laboratory Corporation of America, LabCorp
Classification: Pathogenic for alpha Thalassemia. Last evaluated: 2023-12-12. Review status: criteria provided, single submitter. Criteria: LabCorp Variant Classification Summary - May 2015. Collection method: clinical testing. Allele origin: germline.
Comment: Variant summary: HBA2 c.389T>C (p.Leu130Pro), also known as Hb Utrecht, results in a non-conservative amino acid change located in the Globin (IPR000971) of the encoded protein sequence. Five of five in-silico tools predict a damaging effect of the variant on protein function. The variant was absent in 248988 control chromosomes. c.389T>C has been reported in the literature in multiple individuals from a large family affected with Alpha Thalassemia (example, Harteveld_1996). These data indicate that the variant is very likely to be associated with disease. At least one publication reports experimental evidence evaluating an impact on protein function. The most pronounced variant effect results in absence of HBA protein by SDS-PAGE in RBC cells (Wajcman_2011). The following publications have been ascertained in the context of this evaluation (PMID: 8790146, 21950764). No submitters have cited clinical-significance assessments for this variant to ClinVar after 2014. Based on the evidence outlined above, the variant was classified as pathogenic.

Literature cited by the submitters: PubMed 8790146; PubMed 21950764.

NM_000517.6(HBA2):c.389T>C (p.Leu130Pro)

Genes: HBA2 (hemoglobin subunit alpha 2; plus strand), LOC106804612 (hemoglobin subunit alpha 2 recombination region; plus strand). Cytogenetic location: 16p13.3.
Variant type: single nucleotide variant.
Coding change: c.389T>C on transcript NM_000517.6 (MANE Select); coding-DNA position 389, T replaced by C.
Protein change: p.Leu130Pro; replaces leucine 130 with proline.
Molecular consequence: missense variant.
Genome position (GRCh38, 1-based): chr16:173,560, T>C. VCF-style: chr16-173560-T-C. GRCh37 (hg19) VCF-style: chr16-223559-T-C.
Other names: c.389T>C, p.Leu130Pro (NM_000558.5); short protein forms L130P.
Identifiers: ClinVar variation 2691625 (VCV002691625.1), dbSNP rs281864889, ClinGen allele CA276415466.